The following is an entry in ClinVar:

ClinVar aggregate classification (germline): Pathogenic. Review status: reviewed by expert panel (3 of 4 stars). 3 submissions from 3 submitters: Pathogenic (1). 2 of the submissions do not count toward it. Last evaluated 2020-08-31.

Conditions:
Glycogen storage disease, type II (IOPD). Also called: Glycogen storage disease type 2; Acid maltase deficiency disease; Aglucosidase alfa; Deficiency of alpha-glucosidase; Deficiency of lysosomal alpha-glucosidase; CARDIOMEGALIA GLYCOGENICA DIFFUSA. Identifiers: Orphanet 365, MedGen C0017921, MONDO:0009290, OMIM 232300.

Submissions (3):

ClinGen Lysosomal Storage Disorder Variant Curation Expert Panel
Classification: Pathogenic for Glycogen storage disease, type II. Last evaluated: 2020-08-31. Review status: reviewed by expert panel. Criteria: ClinGen LSD ACMG Specifications v1. Collection method: curation. Allele origin: germline. Inheritance: Autosomal recessive inheritance.
Comment: This variant, c.1153del (p.Arg385AlafsTer7), is a frameshift variant that is predicted to result in a premature termination codon, nonsense mediated decay, and lack of gene product, meeting PVS1. This variant is not in gnomAD v2.1.1, meeting PM2. One patient has been reported who meets the ClinGen LSD VCEP's specifications for PP4 and who is compound heterozygous for the variant and c.-32-13T>G, phase unknown (28554557). PM3_Supporting is met. There is a ClinVar entry for this variant (Variation ID: 501294, 1 star review status) with one submitter classifying the variant as pathogenic. In summary, this variant meets the criteria to be classified as pathogenic for Pompe disease. GAA-specific ACMG/AMP criteria applied, as specified by the ClinGen LSD VCEP: PVS1, PM2, PM3_Supporting, PP4.

Genomenon, Inc
Classification: Pathogenic for Glycogen storage disease, type II. Last evaluated: 2026-07-01. Review status: criteria provided, single submitter. Criteria: Genomenon Sequence Variant Interpretation Standards - Updated. Collection method: curation. Allele origin: germline. Affected: yes. Not counted in ClinVar's aggregate classification.
Comment: GAA p.Arg385AlafsTer7 (c.1153del) is a frameshift variant that is predicted to introduce a premature termination codon and result in a truncated or absent protein product. This variant has been observed in at least one proband with a GAA-related disorder (PMID:28554557). It is absent or not present at a significant frequency in gnomAD. In conclusion, we classify GAA p.Arg385AlafsTer7 (c.1153del) as a pathogenic variant.

Eurofins Ntd Llc (ga)
Classification: Pathogenic. Last evaluated: 2017-04-17. Review status: criteria provided, single submitter. Criteria: EGL Classification Definitions 2015. Collection method: clinical testing. Allele origin: germline. Observed: 1 variant allele, 1 heterozygote. Not counted in ClinVar's aggregate classification.

Literature cited by the submitters: PubMed 28554557 (cited by ClinGen Lysosomal Storage Disorder Variant Curation Expert Panel and Genomenon, Inc).

NM_000152.5(GAA):c.1153del (p.Arg385fs)

Gene: GAA (alpha glucosidase; plus strand). Cytogenetic location: 17q25.3.
Variant type: Deletion.
Coding change: c.1153del on transcript NM_000152.5 (MANE Select); coding-DNA position 1153, one base deleted (C; older notation c.1153delC).
Protein change: p.Arg385fs; shifts the reading frame from arginine 385.
Molecular consequence: frameshift variant.
Genome position (GRCh38, 1-based): chr17:80,108,566, C deleted; the last of 3 consecutive C bases (chr17:80,108,564-80,108,566); deleting any one gives the same sequence. VCF-style (leftmost placement, unchanged base first): chr17-80108563-AC-A. GRCh37 (hg19) VCF-style: chr17-78082362-AC-A.
Other names: c.1153del, p.Arg385fs (NM_001079803.3, NM_001079804.3); short protein forms R385fs.
Identifiers: ClinVar variation 501294 (VCV000501294.11), dbSNP rs1555600102, ClinGen allele CA658798978.